The following is an entry in ClinVar:

NM_000038.6(APC):c.8445G>T (p.Lys2815Asn)

Gene: APC (APC regulator of Wnt signaling pathway; plus strand). Cytogenetic location: 5q22.2.
Variant type: single nucleotide variant.
Coding change: c.8445G>T on transcript NM_000038.6 (MANE Select); coding-DNA position 8445, G replaced by T.
Protein change: p.Lys2815Asn; replaces lysine 2815 with asparagine.
Molecular consequence: missense variant.
Genome position (GRCh38, 1-based): chr5:112,844,039, G>T. VCF-style: chr5-112844039-G-T. GRCh37 (hg19) VCF-style: chr5-112179736-G-T.
Other names: c.8445G>T, p.Lys2815Asn (NM_001127510.3, NM_001354895.2); c.8391G>T, p.Lys2797Asn (NM_001127511.3); c.8499G>T, p.Lys2833Asn (NM_001354896.2); c.8475G>T, p.Lys2825Asn (NM_001354897.2); c.8370G>T, p.Lys2790Asn (NM_001354898.2); c.8361G>T, p.Lys2787Asn (NM_001354899.2); c.8322G>T, p.Lys2774Asn (NM_001354900.2); c.8268G>T, p.Lys2756Asn (NM_001354901.2); and 5 more; short protein forms K2815N, K2797N, K2714N, K2774N, K2724N, K2756N, K2787N, K2790N.
Identifiers: ClinVar variation 482386 (VCV000482386.20), dbSNP rs1554089157, ClinGen allele CA16039653.

ClinVar aggregate classification (germline): Uncertain significance. Review status: criteria provided, multiple submitters, no conflicts (2 of 4 stars). 4 submissions from 4 submitters: Uncertain significance (4). Last evaluated 2025-03-03.

Conditions:
Hereditary cancer-predisposing syndrome. Also called: Neoplastic Syndromes, Hereditary; Tumor predisposition; Hereditary Cancer Syndrome; Hereditary neoplastic syndrome. Identifiers: Orphanet 140162, MedGen C0027672, MeSH D009386, MONDO:0015356.
Familial adenomatous polyposis 1 (FAP1). Also called: FAMILIAL ADENOMATOUS POLYPOSIS 1, ATTENUATED; POLYPOSIS, ADENOMATOUS INTESTINAL. Identifiers: MedGen C2713442, MONDO:0021056, OMIM 175100. Disease mechanism: loss of function.

gnomAD v4.1: 1 of 1,602,818 alleles (0.000062%); highest among the groups gnomAD compares: Non-Finnish European, 0.000085%; no homozygotes.

Submissions (4):

Labcorp Genetics (formerly Invitae), Labcorp
Classification: Uncertain significance for Familial adenomatous polyposis 1. Last evaluated: 2025-03-03. Review status: criteria provided, single submitter. Criteria: Invitae Variant Classification Sherloc (09022015). Collection method: clinical testing. Allele origin: germline.
Comment: This sequence change replaces lysine, which is basic and polar, with asparagine, which is neutral and polar, at codon 2815 of the APC protein (p.Lys2815Asn). This variant is not present in population databases (gnomAD no frequency). This missense change has been observed in individual(s) with APC-realted conditions (PMID: 10612827). ClinVar contains an entry for this variant (Variation ID: 482386). Invitae Evidence Modeling of protein sequence and biophysical properties (such as structural, functional, and spatial information, amino acid conservation, physicochemical variation, residue mobility, and thermodynamic stability) indicates that this missense variant is not expected to disrupt APC protein function with a negative predictive value of 95%. In summary, the available evidence is currently insufficient to determine the role of this variant in disease. Therefore, it has been classified as a Variant of Uncertain Significance.

Ambry Genetics
Classification: Uncertain significance for Hereditary cancer-predisposing syndrome. Last evaluated: 2023-06-23. Review status: criteria provided, single submitter. Criteria: Ambry Variant Classification Scheme 2023. Collection method: clinical testing. Allele origin: germline.
Comment: The p.K2815N variant (also known as c.8445G>T), located in coding exon 15 of the APC gene, results from a G to T substitution at nucleotide position 8445. The lysine at codon 2815 is replaced by asparagine, an amino acid with similar properties. This amino acid position is highly conserved in available vertebrate species. In addition, in silico predictors for this gene do not accurately predict pathogenicity. Since supporting evidence is limited at this time, the clinical significance of this alteration remains unclear.

GeneDx
Classification: Uncertain significance. Last evaluated: 2020-11-27. Review status: criteria provided, single submitter. Criteria: GeneDx Variant Classification Process June 2021. Collection method: clinical testing. Allele origin: germline. Affected: yes.
Comment: Not observed in large population cohorts (Lek 2016); In silico analysis supports that this missense variant does not alter protein structure/function; Has not been previously published as pathogenic or benign to our knowledge

Color Diagnostics, LLC DBA Color Health
Classification: Uncertain significance for Hereditary cancer-predisposing syndrome. Last evaluated: 2019-01-03. Review status: criteria provided, single submitter. Criteria: ACMG Guidelines, 2015. Collection method: clinical testing. Allele origin: germline.

Literature cited by the submitters: PubMed 10612827 (cited by Labcorp Genetics (formerly Invitae), Labcorp).